The following is an entry in ClinVar:

NM_020461.4(TUBGCP6):c.4831C>T (p.Pro1611Ser)

Gene: TUBGCP6 (tubulin gamma complex component 6; minus strand). Cytogenetic location: 22q13.33.
Variant type: single nucleotide variant.
Coding change: c.4831C>T on transcript NM_020461.4 (MANE Select); coding-DNA position 4831, C replaced by T.
Protein change: p.Pro1611Ser; replaces proline 1611 with serine.
Molecular consequence: missense variant.
Genome position (GRCh38, 1-based): chr22:50,218,611, G>A on the plus strand (C>T on the coding strand, the complement: TUBGCP6 is on the minus strand). VCF-style: chr22-50218611-G-A. GRCh37 (hg19) VCF-style: chr22-50657040-G-A.
Other names: short protein forms P1611S.
Identifiers: ClinVar variation 1442200 (VCV001442200.8), dbSNP rs1380909839, ClinGen allele CA412167736.

ClinVar aggregate classification (germline): Uncertain significance (1 of 4 stars; one submission).

Allele frequency attached by ClinVar (database versions not stated): gnomAD exomes below 0.00001; TOPMed below 0.00001; gnomAD 0.00001.
gnomAD v4.1: 7 of 1,613,600 alleles (0.00043%); highest among the groups gnomAD compares: East Asian, 0.0022%; no homozygotes.

Submission:

Labcorp Genetics (formerly Invitae), Labcorp
Classification: Uncertain significance. Last evaluated: 2021-07-26. Review status: criteria provided, single submitter. Criteria: Invitae Variant Classification Sherloc (09022015). Collection method: clinical testing. Allele origin: germline.
Comment: In summary, the available evidence is currently insufficient to determine the role of this variant in disease. Therefore, it has been classified as a Variant of Uncertain Significance. Algorithms developed to predict the effect of missense changes on protein structure and function are either unavailable or do not agree on the potential impact of this missense change (SIFT: "Tolerated"; PolyPhen-2: "Probably Damaging"; Align-GVGD: "Class C0"). This variant has not been reported in the literature in individuals affected with TUBGCP6-related conditions. This variant is not present in population databases (ExAC no frequency). This sequence change replaces proline with serine at codon 1611 of the TUBGCP6 protein (p.Pro1611Ser). The proline residue is highly conserved and there is a moderate physicochemical difference between proline and serine.